The following is an entry in ClinVar:

ClinVar aggregate classification (germline): Pathogenic (1 of 4 stars; one submission).

Submission:

Labcorp Genetics (formerly Invitae), Labcorp
Classification: Pathogenic. Last evaluated: 2021-09-20. Review status: criteria provided, single submitter. Criteria: Invitae Variant Classification Sherloc (09022015). Collection method: clinical testing. Allele origin: germline.
Comment: This variant has not been reported in the literature in individuals affected with TANC2-related conditions. For these reasons, this variant has been classified as Pathogenic. This variant disrupts a region of the TANC2 protein in which other variant(s) (p.Arg1469Glyfs*6) have been determined to be pathogenic (PMID: 31616000). This suggests that this is a clinically significant region of the protein, and that variants that disrupt it are likely to be disease-causing. This variant is not present in population databases (ExAC no frequency). This sequence change creates a premature translational stop signal (p.Gly1461Alafs*14) in the TANC2 gene. While this is not anticipated to result in nonsense mediated decay, it is expected to disrupt the last 530 amino acid(s) of the TANC2 protein.

Literature cited by the submitters: PubMed 31616000.

NM_001394998.1(TANC2):c.4632del (p.Gly1545fs)

Gene: TANC2 (tetratricopeptide repeat, ankyrin repeat and coiled-coil containing 2; plus strand). Cytogenetic location: 17q23.3.
Variant type: Deletion.
Coding change: c.4632del on transcript NM_001394998.1 (MANE Select); coding-DNA position 4632, one base deleted (T; older notation c.4632delT).
Protein change: p.Gly1545fs; shifts the reading frame from glycine 1545.
Molecular consequence: frameshift variant.
Genome position (GRCh38, 1-based): chr17:63,420,362, T deleted; the last of 2 consecutive T bases (chr17:63,420,361-63,420,362); deleting either gives the same sequence. VCF-style (leftmost placement, unchanged base first): chr17-63420360-CT-C. GRCh37 (hg19) VCF-style: chr17-61497721-CT-C.
Other names: c.4380del, p.Gly1461fs (NM_025185.4); short protein forms G1461fs, G1545fs.
Identifiers: ClinVar variation 1454576 (VCV001454576.7), dbSNP rs2147417847, ClinGen allele CA2573154451.